The following is an entry in ClinVar:

NM_139058.3(ARX):c.1668C>T (p.Ser556=)

Gene: ARX (aristaless related homeobox; minus strand). Cytogenetic location: Xp21.3.
Variant type: single nucleotide variant.
Coding change: c.1668C>T on transcript NM_139058.3 (MANE Select); coding-DNA position 1668, C replaced by T.
Protein change: p.Ser556=; no amino-acid change (serine 556 retained).
Molecular consequence: synonymous variant.
Genome position (GRCh38, 1-based): chrX:25,004,691, G>A on the plus strand (C>T on the coding strand, the complement: ARX is on the minus strand). VCF-style: chrX-25004691-G-A. GRCh37 (hg19) VCF-style: chrX-25022808-G-A.
Identifiers: ClinVar variation 581548 (VCV000581548.10), dbSNP rs1281833018, ClinGen allele CA515747772.

ClinVar aggregate classification (germline): Likely benign. Review status: criteria provided, multiple submitters, no conflicts (2 of 4 stars). 2 submissions from 2 submitters: Likely benign (2). Last evaluated 2024-01-25.

Conditions:
Developmental and epileptic encephalopathy, 1 (DEE1). Also called: X-linked infantile spasms; West's syndrome; Tonic spasms with clustering, arrest of psychomotor development and hypsarrhythmia on EEG; X-Linked Infantile Spasm Syndrome; OHTAHARA SYNDROME, X-LINKED; INFANTILE SPASM SYNDROME, X-LINKED 1. Identifiers: MedGen C3463992, MONDO:0010632, OMIM 308350. Disease mechanism: loss of function.
Intellectual disability, X-linked, with or without seizures, ARX-related. Also called: INTELLECTUAL DEVELOPMENTAL DISORDER, X-LINKED 29; MENTAL RETARDATION, X-LINKED 29; MENTAL RETARDATION, X-LINKED 32; MENTAL RETARDATION, X-LINKED 33; MENTAL RETARDATION, X-LINKED 38; MENTAL RETARDATION, X-LINKED 43. Identifiers: Orphanet 777, MedGen C0796244, MONDO:0010317, OMIM 300419.

Allele frequency attached by ClinVar (database versions not stated): gnomAD exomes below 0.00001 and 0.00002.
gnomAD v4.1: 1 of 1,165,309 alleles (0.000086%); highest among the groups gnomAD compares: Middle Eastern, 0.026%; no homozygotes.

Submissions (2):

Labcorp Genetics (formerly Invitae), Labcorp
Classification: Likely benign for Developmental and epileptic encephalopathy, 1; Intellectual disability, X-linked, with or without seizures, ARX-related. Last evaluated: 2024-01-25. Review status: criteria provided, single submitter. Criteria: Invitae Variant Classification Sherloc (09022015). Collection method: clinical testing. Allele origin: germline.

GeneDx
Classification: Likely benign. Last evaluated: 2018-05-01. Review status: criteria provided, single submitter. Criteria: GeneDx Variant Classification (06012015). Collection method: clinical testing. Allele origin: germline. Affected: yes.
Comment: This variant is considered likely benign or benign based on one or more of the following criteria: it is a conservative change, it occurs at a poorly conserved position in the protein, it is predicted to be benign by multiple in silico algorithms, and/or has population frequency not consistent with disease.